The following is an entry in ClinVar:

NM_001987.5(ETV6):c.808C>T (p.Pro270Ser)

Gene: ETV6 (ETS variant transcription factor 6; plus strand). Cytogenetic location: 12p13.2.
Variant type: single nucleotide variant.
Coding change: c.808C>T on transcript NM_001987.5 (MANE Select); coding-DNA position 808, C replaced by T.
Protein change: p.Pro270Ser; replaces proline 270 with serine.
Molecular consequence: missense variant.
Genome position (GRCh38, 1-based): chr12:11,869,768, C>T. VCF-style: chr12-11869768-C-T. GRCh37 (hg19) VCF-style: chr12-12022702-C-T.
Other names: c.805C>T, p.Pro269Ser (NM_001413913.1); c.781C>T, p.Pro261Ser (NM_001413914.1); c.544C>T, p.Pro182Ser (NM_001413915.1); c.808C>T, p.Pro270Ser (NM_001413916.1, NM_001413917.1); short protein forms P269S, P261S, P270S, P182S.
Identifiers: ClinVar variation 4020039 (VCV004020039.1).
Genomic context (GRCh38, chr12:11,869,768, plus strand): 5'-GAGTCCCACCCGAAGCCATCCAGCCCCCGGCAGGAGAGCACACGCGTGATCCAGCTGATG[C>T]CCAGCCCCATCATGCACCCTCTGATCCTGAACCCCCGGCACTCCGTGGATTTCAAACAGT-3'
Protein context (NP_001978.1, residues 260-280): QESTRVIQLM[Pro270Ser]SPIMHPLILN

ClinVar aggregate classification (germline): Uncertain significance (1 of 4 stars; one submission).

Conditions:
Inborn genetic diseases. Identifiers: MedGen C0950123, MeSH D030342.

gnomAD v4.1: 7 of 1,613,340 alleles (0.00043%); highest among the groups gnomAD compares: Middle Eastern, 0.049%; no homozygotes.

Submission:

Ambry Genetics
Classification: Uncertain significance for Inborn genetic diseases. Last evaluated: 2025-04-11. Review status: criteria provided, single submitter. Criteria: Ambry Variant Classification Scheme 2023. Collection method: clinical testing. Allele origin: germline.
Comment: The p.P270S variant (also known as c.808C>T), located in coding exon 5 of the ETV6 gene, results from a C to T substitution at nucleotide position 808. The proline at codon 270 is replaced by serine, an amino acid with similar properties. This amino acid position is highly conserved in available vertebrate species. In addition, this alteration is predicted to be tolerated by in silico analysis. Based on the available evidence, the clinical significance of this variant remains unclear.